The following is an entry in ClinVar:

ClinVar aggregate classification (germline): Uncertain significance. Review status: criteria provided, multiple submitters, no conflicts (2 of 4 stars). 2 submissions from 2 submitters: Uncertain significance (2). Last evaluated 2022-12-11.

Conditions:
Peutz-Jeghers syndrome (PJS). Also called: POLYPOSIS, HAMARTOMATOUS INTESTINAL; POLYPS-AND-SPOTS SYNDROME; Peutz-Jeghers polyposis; Periorificial lentiginosis syndrome. Identifiers: Orphanet 2869, MedGen C0031269, MeSH D010580, MONDO:0008280, OMIM 175200.
Hereditary cancer-predisposing syndrome. Also called: Tumor predisposition; Neoplastic Syndromes, Hereditary; Hereditary Cancer Syndrome; Hereditary neoplastic syndrome. Identifiers: Orphanet 140162, MedGen C0027672, MeSH D009386, MONDO:0015356.

Submissions (2):

Labcorp Genetics (formerly Invitae), Labcorp
Classification: Uncertain significance for Peutz-Jeghers syndrome. Last evaluated: 2022-12-11. Review status: criteria provided, single submitter. Criteria: Invitae Variant Classification Sherloc (09022015). Collection method: clinical testing. Allele origin: germline.
Comment: This sequence change replaces glutamic acid, which is acidic and polar, with glutamine, which is neutral and polar, at codon 145 of the STK11 protein (p.Glu145Gln). In summary, the available evidence is currently insufficient to determine the role of this variant in disease. Therefore, it has been classified as a Variant of Uncertain Significance. Advanced modeling of protein sequence and biophysical properties (such as structural, functional, and spatial information, amino acid conservation, physicochemical variation, residue mobility, and thermodynamic stability) performed at Invitae indicates that this missense variant is not expected to disrupt STK11 protein function. ClinVar contains an entry for this variant (Variation ID: 629154). This variant has not been reported in the literature in individuals affected with STK11-related conditions. This variant is not present in population databases (gnomAD no frequency).

Color Diagnostics, LLC DBA Color Health
Classification: Uncertain significance for Hereditary cancer-predisposing syndrome. Last evaluated: 2019-04-11. Review status: criteria provided, single submitter. Criteria: ACMG Guidelines, 2015. Collection method: clinical testing. Allele origin: germline.

NM_000455.5(STK11):c.433G>C (p.Glu145Gln)

Gene: STK11 (serine/threonine kinase 11; plus strand). Cytogenetic location: 19p13.3.
Variant type: single nucleotide variant.
Coding change: c.433G>C on transcript NM_000455.5 (MANE Select); coding-DNA position 433, G replaced by C.
Protein change: p.Glu145Gln; replaces glutamic acid 145 with glutamine.
Molecular consequence: missense variant.
Genome position (GRCh38, 1-based): chr19:1,219,382, G>C. VCF-style: chr19-1219382-G-C. GRCh37 (hg19) VCF-style: chr19-1219381-G-C.
Other names: short protein forms E145Q.
Identifiers: ClinVar variation 629154 (VCV000629154.6), dbSNP rs1241537285, ClinGen allele CA402948298.